The following is an entry in ClinVar:

NM_000540.3(RYR1):c.10687-13_10687-11del

Gene: RYR1 (ryanodine receptor 1; plus strand). Cytogenetic location: 19q13.2.
Variant type: Microsatellite.
Coding change: c.10687-13_10687-11del on transcript NM_000540.3 (MANE Select); 13 bases into the intron before coding-DNA position 10687 through 11 bases into the intron before coding-DNA position 10687, 3 bases deleted (TTC; older notation c.10687-13_10687-11delTTC).
Molecular consequence: intron variant.
Genome position (GRCh38, 1-based): chr19:38,527,634-38,527,636, TTC deleted; deleting any 3 consecutive bases within chr19:38,527,630-38,527,636 gives the same sequence; the c. name uses the placement nearest the transcript's 3' end. VCF-style (leftmost placement, unchanged base first): chr19-38527629-CCTT-C. GRCh37 (hg19) VCF-style: chr19-39018269-CCTT-C.
Other names: c.10672-13_10672-11del (NM_001042723.2).
Identifiers: ClinVar variation 2160799 (VCV002160799.5), dbSNP rs755530853, ClinGen allele CA054425.

ClinVar aggregate classification (germline): Likely benign. Review status: criteria provided, multiple submitters, no conflicts (2 of 4 stars). 3 submissions from 3 submitters: Likely benign (3). Last evaluated 2026-01-19.

Conditions:
Malignant hyperthermia, susceptibility to, 1 (MHS1). Also called: Malignant hyperthermia suceptibility 1; Anesthesia related hyperthermia; Malignant hyperpyrexia; Fulminating hyperpyrexia; Pharmacogenic myopathy; RYR1-Related Malignant Hyperthermia Susceptibility. Identifiers: Orphanet 423, MedGen C2930980, MONDO:0007783, OMIM 145600.
RYR1-related disorder. Also called: RYR1-related disorders; RYR1-related condition. Identifiers: MedGen CN239331.

Submissions (3):

Labcorp Genetics (formerly Invitae), Labcorp
Classification: Likely benign for RYR1-related disorder. Last evaluated: 2026-01-19. Review status: criteria provided, single submitter. Criteria: Invitae Variant Classification Sherloc (09022015). Collection method: clinical testing. Allele origin: germline.

All of Us Research Program, National Institutes of Health
Classification: Likely benign for Malignant hyperthermia, susceptibility to, 1. Last evaluated: 2024-09-11. Review status: criteria provided, single submitter. Criteria: ACMG Guidelines, 2015. Collection method: clinical testing. Allele origin: germline. Inheritance: Autosomal dominant inheritance. Observed: 12 variant alleles, 12 heterozygotes.
Comment: This study involves interpretation of variants in research participants for the purpose of population health screening. Participant phenotype was not available at the time of variant classification. Additional details can be found in publication PMID: 35346344, PMCID: PMC8962531

Color Diagnostics, LLC DBA Color Health
Classification: Likely benign for Malignant hyperthermia, susceptibility to, 1. Last evaluated: 2023-04-25. Review status: criteria provided, single submitter. Criteria: ACMG Guidelines, 2015. Collection method: clinical testing. Allele origin: germline.